The following is an entry in ClinVar:

ClinVar aggregate classification (germline): Uncertain significance (1 of 4 stars; one submission).

Submission:

Athena Diagnostics
Classification: Uncertain significance. Last evaluated: 2024-06-03. Review status: criteria provided, single submitter. Criteria: Athena Diagnostics Criteria. Collection method: clinical testing. Allele origin: unknown.
Comment: Available data are insufficient to determine the clinical significance of the variant at this time. This variant has not been reported in large, multi-ethnic general populations. This variant has been identified in at least one individual with clinical features associated with this gene. Polyphen and MutationTaster predict this amino acid change may be damaging to the protein.

Literature cited by the submitters: PubMed 29482223.

NM_006946.4(SPTBN2):c.1472T>C (p.Leu491Pro)

Gene: SPTBN2 (spectrin beta, non-erythrocytic 2; minus strand). Cytogenetic location: 11q13.2.
Variant type: single nucleotide variant.
Coding change: c.1472T>C on transcript NM_006946.4 (MANE Select); coding-DNA position 1472, T replaced by C.
Protein change: p.Leu491Pro; replaces leucine 491 with proline.
Molecular consequence: missense variant.
Genome position (GRCh38, 1-based): chr11:66,707,697, A>G on the plus strand (T>C on the coding strand, the complement: SPTBN2 is on the minus strand). VCF-style: chr11-66707697-A-G. GRCh37 (hg19) VCF-style: chr11-66475168-A-G.
Other names: c.1493T>C, p.Leu498Pro (NM_001411025.1); short protein forms L491P, L498P.
Identifiers: ClinVar variation 3571671 (VCV003571671.1).